The following is an entry in ClinVar:

ClinVar aggregate classification (germline): Likely benign. Review status: criteria provided, multiple submitters, no conflicts (2 of 4 stars). 2 submissions from 2 submitters: Likely benign (2). Last evaluated 2023-10-18.

Conditions:
Fanconi anemia (FA). Also called: Fanconi's anemia. Identifiers: Orphanet 84, MedGen C0015625, MeSH D005199, MONDO:0019391.

Allele frequency attached by ClinVar (database versions not stated): gnomAD exomes 0.00001; ExAC 0.00005.
gnomAD v4.1: 10 of 1,614,172 alleles (0.00062%); highest among the groups gnomAD compares: Middle Eastern, 0.017%; 1 homozygote.

Submissions (2):

Labcorp Genetics (formerly Invitae), Labcorp
Classification: Likely benign for Fanconi anemia. Last evaluated: 2023-10-18. Review status: criteria provided, single submitter. Criteria: Invitae Variant Classification Sherloc (09022015). Collection method: clinical testing. Allele origin: germline.

CeGaT Center for Human Genetics Tuebingen
Classification: Likely benign. Last evaluated: 2022-07-01. Review status: criteria provided, single submitter. Criteria: CeGaT Center For Human Genetics Tuebingen Variant Classification Criteria Version 2. Collection method: clinical testing. Allele origin: germline. Affected: yes. Observed: 1 variant allele.
Comment: FANCD2: BP4, BP7

NM_001018115.3(FANCD2):c.2028T>C (p.Phe676=)

Genes: FANCD2 (FA complementation group D2; plus strand), LOC107303338 (3p25 FANCD2 Alu-mediated recombination region; plus strand). Cytogenetic location: 3p25.3.
Variant type: single nucleotide variant.
Coding change: c.2028T>C on transcript NM_001018115.3 (MANE Select); coding-DNA position 2028, T replaced by C.
Protein change: p.Phe676=; no amino-acid change (phenylalanine 676 retained).
Molecular consequence: synonymous variant.
Genome position (GRCh38, 1-based): chr3:10,064,735, T>C. VCF-style: chr3-10064735-T-C. GRCh37 (hg19) VCF-style: chr3-10106419-T-C.
Other names: c.2028T>C, p.Phe676= (NM_001319984.2, NM_001374254.1, NM_033084.6); c.1917T>C, p.Phe639= (NM_001374253.1).
Identifiers: ClinVar variation 2653511 (VCV002653511.27), dbSNP rs772075763, ClinGen allele CA2249947.
Genomic context (GRCh38, chr3:10,064,735, plus strand): 5'-TGTAGCCTTGCGTATTCCTGAGCTGCAACATCAGATTCTGGTTTTTCTCCGCAGTGACTT[T>C]CCATTTCCTGTGAAAGCACTGTACGGACTGGAAGAATACGACACTCAGGATGGGATTGCC-3'
Protein context (NP_001018125.1, residues 666-686): VDSCVVPEGD[Phe676=]PFPVKALYGL